The following is an entry in ClinVar:

ClinVar aggregate classification (germline): Uncertain significance. Review status: criteria provided, multiple submitters, no conflicts (2 of 4 stars). 2 submissions from 2 submitters: Uncertain significance (2). Last evaluated 2026-03-13.

Conditions:
Inborn genetic diseases. Identifiers: MedGen C0950123, MeSH D030342.

gnomAD v4.1: 19 of 1,614,044 alleles (0.0012%); highest among the groups gnomAD compares: African/African-American, 0.0013%; no homozygotes.

Submissions (2):

Women's Health and Genetics/Laboratory Corporation of America, LabCorp
Classification: Uncertain significance. Last evaluated: 2026-03-13. Review status: criteria provided, single submitter. Criteria: LabCorp Variant Classification Summary - May 2015. Collection method: clinical testing. Allele origin: germline.
Comment: Variant summary: HYLS1 c.838C>T (p.Arg280Cys) results in a non-conservative amino acid change in the encoded protein sequence. Algorithms developed to predict the effect of missense changes on protein structure and function all suggest that this variant is likely to be disruptive. The variant allele was found at a frequency of 1.2e-05 in 251474 control chromosomes (gnomAD). The available data on variant occurrences in the general population are insufficient to allow any conclusion about variant significance. c.838C>T has been observed in one individual affected with a purely neurological Joubert syndrome (Gana_2025). The report does not provide unequivocal conclusions about association of the variant with Hydrolethalus Syndrome, Type 1. To our knowledge, no experimental evidence demonstrating an impact on protein function has been reported. The following publication have been ascertained in the context of this evaluation (PMID: 39626953). ClinVar contains an entry for this variant (Variation ID: 4621901). Based on the evidence outlined above, the variant was classified as uncertain significance.

Ambry Genetics
Classification: Uncertain significance for Inborn genetic diseases. Last evaluated: 2025-10-02. Review status: criteria provided, single submitter. Criteria: Ambry Variant Classification Scheme 2023. Collection method: clinical testing. Allele origin: germline.

Literature cited by the submitters: PubMed 39626953 (cited by Women's Health and Genetics/Laboratory Corporation of America, LabCorp).

NM_001134793.2(HYLS1):c.838C>T (p.Arg280Cys)

Genes: HYLS1 (HYLS1 centriolar and ciliogenesis associated; plus strand), PUS3 (pseudouridine synthase 3; minus strand). Cytogenetic location: 11q24.2.
Variant type: single nucleotide variant.
Coding change: c.838C>T on transcript NM_001134793.2 (MANE Select); coding-DNA position 838, C replaced by T.
Protein change: p.Arg280Cys; replaces arginine 280 with cysteine.
Molecular consequence: missense variant. On other transcripts: intron variant (7).
Genome position (GRCh38, 1-based): chr11:125,900,206, C>T. VCF-style: chr11-125900206-C-T. GRCh37 (hg19) VCF-style: chr11-125770101-C-T.
Other names: c.838C>T, p.Arg280Cys (NM_001377269.1, NM_001377270.1, NM_001424364.1 and 1 more transcripts); c.-247+2964G>A (NM_001271985.2); c.-47+2964G>A (NM_001441241.1, NM_001441239.1, NM_031307.4); c.-247+473G>A (NM_001441238.1); c.-47+473G>A (NM_001441240.1, NM_001441237.1); short protein forms R280C.
Identifiers: ClinVar variation 4621901 (VCV004621901.2).